The following is an entry in ClinVar:

NM_004186.5(SEMA3F):c.893G>A (p.Arg298His)

Gene: SEMA3F (semaphorin 3F; plus strand). Cytogenetic location: 3p21.31.
Variant type: single nucleotide variant.
Coding change: c.893G>A on transcript NM_004186.5 (MANE Select); coding-DNA position 893, G replaced by A.
Protein change: p.Arg298His; replaces arginine 298 with histidine.
Molecular consequence: missense variant.
Genome position (GRCh38, 1-based): chr3:50,182,773, G>A. VCF-style: chr3-50182773-G-A. GRCh37 (hg19) VCF-style: chr3-50220206-G-A.
Other names: c.596G>A, p.Arg199His (NM_001318798.2); c.800G>A, p.Arg267His (NM_001318800.2); short protein forms R267H, R298H, R199H.
Identifiers: ClinVar variation 4992460 (VCV004992460.1).

ClinVar aggregate classification (germline): Uncertain significance (1 of 4 stars; one submission).

Conditions:
SEMA3F-related disorder. Also called: SEMA3F-related condition.

gnomAD v4.1: 2 of 1,612,678 alleles (0.00012%); highest among the groups gnomAD compares: Non-Finnish European, 0.00017%; no homozygotes.

Submission:

PreventionGenetics, part of Exact Sciences
Classification: Uncertain significance for SEMA3F-related condition. Last evaluated: 2026-03-23. Review status: criteria provided, single submitter. Criteria: ACMG Guidelines, 2015. Collection method: clinical testing. Allele origin: germline.
Comment: The SEMA3F c.893G>A variant is predicted to result in the amino acid substitution p.Arg298His. To our knowledge, this variant has not been reported in the literature or in a large population database (gnomAD), indicating this variant is rare. At this time, the clinical significance of this variant is uncertain due to the absence of conclusive functional and genetic evidence.